The following is an entry in ClinVar:

NM_004960.3(FUS):c.*214C>T

Gene: FUS (FUS DNA/RNA binding protein; plus strand). Cytogenetic location: 16p11.2.
Variant type: single nucleotide variant.
Coding change: c.*214C>T on transcript NM_004960.3; 214 bases downstream of the stop codon, C replaced by T.
Molecular consequence: 3 prime UTR variant (on NM_001170634.1). On other transcripts: non-coding transcript variant (1).
Genome position (GRCh38, 1-based): chr16:31,191,652, C>T. VCF-style: chr16-31191652-C-T. GRCh37 (hg19) VCF-style: chr16-31202973-C-T.
Other names: c.*214C>T (NM_001170634.1, NM_001170937.1).
Identifiers: ClinVar variation 318995 (VCV000318995.10), dbSNP rs140875749, ClinGen allele CA8024169.
Genomic context (GRCh38, chr16:31,191,652, plus strand): 5'-CCATTTTAGTTAAATTTTGTTCCTCTTCCCCCTTTTCACTTTCCTGGAAGATCGATGTCC[C>T]GATCAGGAAGGTAGAGAGTTTTCCTGTTCAGATTACCCTGCCCAGCAGGAACTGGAATAC-3'

ClinVar aggregate classification (germline): Benign. Review status: criteria provided, multiple submitters, no conflicts (2 of 4 stars). 3 submissions from 3 submitters: Benign (3). Last evaluated 2020-09-23.

Conditions:
Amyotrophic lateral sclerosis type 6. Also called: FUS-Related Amyotrophic Laterial Sclerosis; AMYOTROPHIC LATERAL SCLEROSIS 6 WITHOUT FRONTOTEMPORAL DEMENTIA; Amyotrophic lateral sclerosis 6, with or without frontotemporal dementia. Identifiers: Orphanet 275872, Orphanet 803, MedGen C2931786, MONDO:0011951, OMIM 608030.

Allele frequency attached by ClinVar (database versions not stated): 1000 Genomes Project 30x 0.00297; TOPMed 0.00382; gnomAD exomes 0.00386; gnomAD 0.00355 and 0.00361; 1000 Genomes Project 0.00280; ExAC 0.00399.
gnomAD v4.1: 2,857 of 704,296 alleles (0.41%); highest among the groups gnomAD compares: Middle Eastern, 0.66%; 7 homozygotes.

Submissions (3):

GeneDx
Classification: Benign. Last evaluated: 2020-09-23. Review status: criteria provided, single submitter. Criteria: GeneDx Variant Classification Process June 2021. Collection method: clinical testing. Allele origin: germline. Affected: yes.

Illumina Laboratory Services, Illumina
Classification: Benign for Amyotrophic lateral sclerosis type 6. Last evaluated: 2018-01-13. Review status: criteria provided, single submitter. Criteria: ICSL Variant Classification Criteria 13 December 2019. Collection method: clinical testing. Allele origin: germline.
Comment: This variant was observed in the ICSL laboratory as part of a predisposition screen in an ostensibly healthy population. It had not been previously curated by ICSL or reported in the Human Gene Mutation Database (HGMD: prior to June 1st, 2018), and was therefore a candidate for classification through an automated scoring system. Utilizing variant allele frequency, disease prevalence and penetrance estimates, and inheritance mode, an automated score was calculated to assess if this variant is too frequent to cause the disease. Based on the score and internal cut-off values, a variant classified as benign is not then subjected to further curation. The score for this variant resulted in a classification of benign for this disease.

Breakthrough Genomics
Classification: Benign. Review status: criteria provided, single submitter. Criteria: ACMG Guidelines, 2015. Collection method: not provided. Allele origin: germline. Inheritance: Autosomal dominant inheritance. Affected: yes.